The following is an entry in ClinVar:

ClinVar aggregate classification (germline): Uncertain significance (1 of 4 stars; one submission).

Submission:

Dasa
Classification: Uncertain significance. Last evaluated: 2025-01-10. Review status: criteria provided, single submitter. Criteria: DASA Assertion Criteria. Collection method: clinical testing. Allele origin: germline.
Comment: NM_004170.6(SLC1A1):c.468G>T (p.Gln156His) is a missense variant that results in the substitution of glutamine with histidine. This variant has been observed in affected individuals with SLC1A1-related disorders. Also, this variant is absent from population databases. The currently available literature and clinical evidence are not sufficient to establish a definitive association between this variant and the reported condition. Therefore, this variant is classified as a variant of uncertain significance.

NM_004170.6(SLC1A1):c.468G>T (p.Gln156His)

Gene: SLC1A1 (solute carrier family 1 member 1; plus strand). Cytogenetic location: 9p24.2.
Variant type: single nucleotide variant.
Coding change: c.468G>T on transcript NM_004170.6 (MANE Select); coding-DNA position 468, G replaced by T.
Protein change: p.Gln156His; replaces glutamine 156 with histidine.
Molecular consequence: missense variant.
Genome position (GRCh38, 1-based): chr9:4,566,074, G>T. VCF-style: chr9-4566074-G-T. GRCh37 (hg19) VCF-style: chr9-4566074-G-T.
Other names: short protein forms Q156H.
Identifiers: ClinVar variation 4881509 (VCV004881509.2).